The following is an entry in ClinVar:

ClinVar aggregate classification (germline): Uncertain significance (1 of 4 stars; one submission).

Conditions:
FRONTOTEMPORAL LOBAR DEGENERATION WITH TDP43 INCLUSIONS, TARDBP-RELATED. Also called: Frontotemporal lobar degeneration, TARDBP-related. Identifiers: MedGen C3150169, OMIM 612069.
Amyotrophic lateral sclerosis type 10 (ALS10). Also called: AMYOTROPHIC LATERAL SCLEROSIS 10 WITHOUT FRONTOTEMPORAL DEMENTIA AND WITH TDP43 INCLUSIONS; AMYOTROPHIC LATERAL SCLEROSIS 10 WITH OR WITHOUT FRONTOTEMPORAL DEMENTIA AND WITH TDP43 INCLUSIONS; AMYOTROPHIC LATERAL SCLEROSIS 10 WITH OR WITHOUT FRONTOTEMPORAL DEMENTIA; TARDBP-Related Amyotrophic Lateral Sclerosis-Frontotemporal Dementia; Amyotrophic lateral sclerosis 10, with or without FTD. Identifiers: Orphanet 275872, Orphanet 803, MedGen C2677565, MONDO:0012790, OMIM 612069.

Allele frequency attached by ClinVar (database versions not stated): gnomAD 0.00001; gnomAD exomes 0.00001 and below 0.00001.
gnomAD v4.1: 4 of 1,613,788 alleles (0.00025%); highest among the groups gnomAD compares: Admixed American, 0.0033%; no homozygotes.

Submission:

Labcorp Genetics (formerly Invitae), Labcorp
Classification: Uncertain significance for Amyotrophic lateral sclerosis type 10; FRONTOTEMPORAL LOBAR DEGENERATION WITH TDP43 INCLUSIONS, TARDBP-RELATED. Last evaluated: 2024-10-07. Review status: criteria provided, single submitter. Criteria: Invitae Variant Classification Sherloc (09022015). Collection method: clinical testing. Allele origin: germline.
Comment: This sequence change replaces methionine, which is neutral and non-polar, with valine, which is neutral and non-polar, at codon 339 of the TARDBP protein (p.Met339Val). This variant is present in population databases (no rsID available, gnomAD 0.006%). This variant has not been reported in the literature in individuals affected with TARDBP-related conditions. ClinVar contains an entry for this variant (Variation ID: 1438154). Invitae Evidence Modeling of protein sequence and biophysical properties (such as structural, functional, and spatial information, amino acid conservation, physicochemical variation, residue mobility, and thermodynamic stability) indicates that this missense variant is not expected to disrupt TARDBP protein function with a negative predictive value of 80%. In summary, the available evidence is currently insufficient to determine the role of this variant in disease. Therefore, it has been classified as a Variant of Uncertain Significance.

NM_007375.4(TARDBP):c.1015A>G (p.Met339Val)

Gene: TARDBP (TAR DNA binding protein; plus strand). Cytogenetic location: 1p36.22.
Variant type: single nucleotide variant.
Coding change: c.1015A>G on transcript NM_007375.4 (MANE Select); coding-DNA position 1015, A replaced by G.
Protein change: p.Met339Val; replaces methionine 339 with valine.
Molecular consequence: missense variant.
Genome position (GRCh38, 1-based): chr1:11,022,424, A>G. VCF-style: chr1-11022424-A-G. GRCh37 (hg19) VCF-style: chr1-11082481-A-G.
Other names: short protein forms M339V.
Identifiers: ClinVar variation 1438154 (VCV001438154.8), dbSNP rs1162800752, ClinGen allele CA338367302.